The following is an entry in ClinVar:

NM_020207.7(ERCC6L2):c.226A>C (p.Lys76Gln)

Gene: ERCC6L2 (ERCC excision repair 6 like 2; plus strand). Cytogenetic location: 9q22.32.
Variant type: single nucleotide variant.
Coding change: c.226A>C on transcript NM_020207.7 (MANE Select); coding-DNA position 226, A replaced by C.
Protein change: p.Lys76Gln; replaces lysine 76 with glutamine.
Molecular consequence: missense variant. On other transcripts: non-coding transcript variant (1).
Genome position (GRCh38, 1-based): chr9:95,881,048, A>C. VCF-style: chr9-95881048-A-C. GRCh37 (hg19) VCF-style: chr9-98643330-A-C.
Other names: c.226A>C, p.Lys76Gln (NM_001010895.4, NM_001375291.1, NM_001375292.1 and 2 more transcripts); short protein forms K76Q.
Identifiers: ClinVar variation 4870567 (VCV004870567.1).

ClinVar aggregate classification (germline): Uncertain significance (1 of 4 stars; one submission).

Conditions:
Inborn genetic diseases. Identifiers: MedGen C0950123, MeSH D030342.

gnomAD v4.1: 2 of 1,613,848 alleles (0.00012%); highest among the groups gnomAD compares: Non-Finnish European, 0.00017%; no homozygotes.

Submission:

Ambry Genetics
Classification: Uncertain significance for Inborn genetic diseases. Last evaluated: 2026-03-15. Review status: criteria provided, single submitter. Criteria: Ambry Variant Classification Scheme 2023. Collection method: clinical testing. Allele origin: germline.
Comment: The p.K76Q variant (also known as c.226A>C), located in coding exon 2 of the ERCC6L2 gene, results from an A to C substitution at nucleotide position 226. The lysine at codon 76 is replaced by glutamine, an amino acid with similar properties. This amino acid position is conserved. In addition, this alteration is predicted to be tolerated by in silico analysis. Based on the available evidence, the clinical significance of this variant remains unclear.